The following is an entry in ClinVar:

NM_001267550.2(TTN):c.11312-5149A>G

Gene: TTN (titin; minus strand). Cytogenetic location: 2q31.2.
Variant type: single nucleotide variant.
Coding change: c.11312-5149A>G on transcript NM_001267550.2 (MANE Select); 5149 bases into the intron before coding-DNA position 11312, A replaced by G.
Molecular consequence: intron variant. On other transcripts: synonymous variant (1).
Genome position (GRCh38, 1-based): chr2:178,747,070, T>C on the plus strand (A>G on the coding strand, the complement: TTN is on the minus strand). VCF-style: chr2-178747070-T-C. GRCh37 (hg19) VCF-style: chr2-179611797-T-C.
Other names: c.15330A>G, p.Pro5110= (NM_133379.5); c.10223-5149A>G (NM_003319.4); c.10799-5149A>G (NM_133437.4); c.10598-5149A>G (NM_133432.3); c.10360+6054A>G (NM_133378.4); c.10361-5149A>G (NM_001256850.1).
Identifiers: ClinVar variation 4535009 (VCV004535009.6).
Genomic context (GRCh38, chr2:178,747,070, plus strand): 5'-AAAAGTACCAGTGGGGTTTGGTCCTCCAGTAGGAATAGAATATCTCTCTAGTGCCTCCCC[T>C]GGGGGTGTGGAATATCGCTCTAGAGTCTCTCCTGGGGGTGTGGAGTATCTCTCCAGAGTC-3'

ClinVar aggregate classification (germline): Likely benign (1 of 4 stars; one submission).

gnomAD v4.1: 2 of 1,612,522 alleles (0.00012%); highest among the groups gnomAD compares: African/African-American, 0.0027%; no homozygotes.

Submission:

CeGaT Center for Human Genetics Tuebingen
Classification: Likely benign. Last evaluated: 2025-10-01. Review status: criteria provided, single submitter. Criteria: CeGaT Center For Human Genetics Tuebingen Variant Classification Criteria Version 2. Collection method: clinical testing. Allele origin: germline. Affected: yes. Observed: 1 variant allele.
Comment: TTN: BP4, BP7